The following is an entry in ClinVar:

NM_013296.5(GPSM2):c.1263+221T>G

Gene: GPSM2 (G protein signaling modulator 2; plus strand). Cytogenetic location: 1p13.3.
Variant type: single nucleotide variant.
Coding change: c.1263+221T>G on transcript NM_013296.5 (MANE Select); 221 bases into the intron after coding-DNA position 1263, T replaced by G.
Molecular consequence: intron variant.
Genome position (GRCh38, 1-based): chr1:108,914,629, T>G. VCF-style: chr1-108914629-T-G. GRCh37 (hg19) VCF-style: chr1-109457251-T-G.
Other names: c.1263+221T>G (NM_001321038.2, NM_001321039.3).
Identifiers: ClinVar variation 681865 (VCV000681865.1), dbSNP rs12126463, ClinGen allele CA10845989.

ClinVar aggregate classification (germline): Likely benign (1 of 4 stars; one submission).

Allele frequency attached by ClinVar (database versions not stated): 1000 Genomes Project 0.01877; 1000 Genomes Project 30x 0.01983; TOPMed 0.02694; gnomAD 0.02798 and 0.02901.
gnomAD v4.1: 4,288 of 152,274 alleles (2.8%); highest among the groups gnomAD compares: Non-Finnish European, 4.5%; 69 homozygotes.

Submission:

GeneDx
Classification: Likely benign. Last evaluated: 2018-06-16. Review status: criteria provided, single submitter. Criteria: GeneDx Variant Classification (06012015). Collection method: clinical testing. Allele origin: germline. Affected: yes.
Comment: This variant is considered likely benign or benign based on one or more of the following criteria: it is a conservative change, it occurs at a poorly conserved position in the protein, it is predicted to be benign by multiple in silico algorithms, and/or has population frequency not consistent with disease.